The following is an entry in ClinVar:

ClinVar aggregate classification (germline): Uncertain significance (1 of 4 stars; one submission).

Conditions:
Microcephaly, normal intelligence and immunodeficiency (NBS). Also called: Nijmegen breakage syndrome; Microcephaly with normal intelligence immunodeficiency and lymphoreticular malignancies; Nonsyndromal microcephaly autosomal recessive with normal intelligence; Seemanova syndrome 2; IMMUNODEFICIENCY, MICROCEPHALY, AND CHROMOSOMAL INSTABILITY; SEEMANOVA SYNDROME II. Identifiers: Orphanet 647, MedGen C0398791, MONDO:0009623, OMIM 251260.

Submission:

Labcorp Genetics (formerly Invitae), Labcorp
Classification: Uncertain significance for Microcephaly, normal intelligence and immunodeficiency. Last evaluated: 2022-02-23. Review status: criteria provided, single submitter. Criteria: Invitae Variant Classification Sherloc (09022015). Collection method: clinical testing. Allele origin: germline.
Comment: In summary, the available evidence is currently insufficient to determine the role of this variant in disease. Therefore, it has been classified as a Variant of Uncertain Significance. Algorithms developed to predict the effect of missense changes on protein structure and function output the following: SIFT: "Tolerated"; PolyPhen-2: "Benign"; Align-GVGD: "Class C0". The alanine amino acid residue is found in multiple mammalian species, which suggests that this missense change does not adversely affect protein function. This variant has not been reported in the literature in individuals affected with NBN-related conditions. This variant is not present in population databases (gnomAD no frequency). This sequence change replaces threonine, which is neutral and polar, with alanine, which is neutral and non-polar, at codon 273 of the NBN protein (p.Thr273Ala).

NM_002485.5(NBN):c.817A>G (p.Thr273Ala)

Gene: NBN (nibrin; minus strand). Cytogenetic location: 8q21.3.
Variant type: single nucleotide variant.
Coding change: c.817A>G on transcript NM_002485.5 (MANE Select); coding-DNA position 817, A replaced by G.
Protein change: p.Thr273Ala; replaces threonine 273 with alanine.
Molecular consequence: missense variant.
Genome position (GRCh38, 1-based): chr8:89,970,443, T>C on the plus strand (A>G on the coding strand, the complement: NBN is on the minus strand). VCF-style: chr8-89970443-T-C. GRCh37 (hg19) VCF-style: chr8-90982671-T-C.
Other names: c.571A>G, p.Thr191Ala (NM_001024688.3); short protein forms T273A, T191A.
Identifiers: ClinVar variation 1905297 (VCV001905297.5), dbSNP rs1811457381, ClinGen allele CA371658549.